The following is an entry in ClinVar:

ClinVar aggregate classification (germline): Uncertain significance. Review status: criteria provided, multiple submitters, no conflicts (2 of 4 stars). 4 submissions from 4 submitters: Uncertain significance (4). Last evaluated 2026-02-03.

Conditions:
Hereditary cancer-predisposing syndrome. Also called: Neoplastic Syndromes, Hereditary; Tumor predisposition; Hereditary neoplastic syndrome; Hereditary Cancer Syndrome. Identifiers: Orphanet 140162, MedGen C0027672, MeSH D009386, MONDO:0015356.
Mitochondrial complex II deficiency, nuclear type 1. Also called: SUCCINATE CoQ REDUCTASE DEFICIENCY. Identifiers: Orphanet 3208, MedGen C5700310, MONDO:0100294, OMIM 252011.
Pheochromocytoma/paraganglioma syndrome 5. Also called: Paragangliomas 5; SDHA-Related Hereditary Paraganglioma-Pheochromocytoma Syndrome. Identifiers: Orphanet 29072, MedGen C3279992, MONDO:0013602, OMIM 614165.

Allele frequency attached by ClinVar (database versions not stated): TOPMed below 0.00001.
gnomAD v4.1: 1 of 1,592,058 alleles (0.000063%); highest among the groups gnomAD compares: South Asian, 0.0011%; no homozygotes.

Submissions (4):

Ambry Genetics
Classification: Uncertain significance for Hereditary cancer-predisposing syndrome. Last evaluated: 2026-02-03. Review status: criteria provided, single submitter. Criteria: Ambry Variant Classification Scheme 2023. Collection method: clinical testing. Allele origin: germline.
Comment: The p.Q516R variant (also known as c.1547A>G), located in coding exon 11 of the SDHA gene, results from an A to G substitution at nucleotide position 1547. The glutamine at codon 516 is replaced by arginine, an amino acid with highly similar properties. This amino acid position is highly conserved in available vertebrate species. In addition, this alteration is predicted to be deleterious by in silico analysis. Based on the available evidence, the clinical significance of this variant remains unclear.

Labcorp Genetics (formerly Invitae), Labcorp
Classification: Uncertain significance for Pheochromocytoma/paraganglioma syndrome 5; Mitochondrial complex II deficiency, nuclear type 1. Last evaluated: 2026-01-06. Review status: criteria provided, single submitter. Criteria: Invitae Variant Classification Sherloc (09022015). Collection method: clinical testing. Allele origin: germline.
Comment: This sequence change replaces glutamine, which is neutral and polar, with arginine, which is basic and polar, at codon 516 of the SDHA protein (p.Gln516Arg). This variant is not present in population databases (gnomAD no frequency). This variant has not been reported in the literature in individuals affected with SDHA-related conditions. ClinVar contains an entry for this variant (Variation ID: 640265). Invitae Evidence Modeling of protein sequence and biophysical properties (such as structural, functional, and spatial information, amino acid conservation, physicochemical variation, residue mobility, and thermodynamic stability) indicates that this missense variant is not expected to disrupt SDHA protein function with a negative predictive value of 95%. In summary, the available evidence is currently insufficient to determine the role of this variant in disease. Therefore, it has been classified as a Variant of Uncertain Significance.

GeneDx
Classification: Uncertain significance. Last evaluated: 2024-03-15. Review status: criteria provided, single submitter. Criteria: GeneDx Variant Classification Process June 2021. Collection method: clinical testing. Allele origin: germline. Affected: yes.
Comment: Not observed at significant frequency in large population cohorts (gnomAD); In silico analysis supports that this missense variant has a deleterious effect on protein structure/function; Has not been previously published as pathogenic or benign to our knowledge

Sema4
Classification: Uncertain significance for Hereditary cancer-predisposing syndrome. Last evaluated: 2021-12-09. Review status: criteria provided, single submitter. Criteria: Sema4 Curation Guidelines. Collection method: curation. Allele origin: germline.
Comment: The SDHA c.1547A>G (p.Q516R) variant has not been reported in the literature to our knowledge. This variant is not reported in the large and broad cohorts of the Genome Aggregation Database (PMID: 32461654). This variant has been reported in ClinVar (Variation ID 640265). In silico tools suggest the impact of the variant on protein function is deleterious, though these predictions have not been confirmed by functional studies. The overall evidence is insufficient to meet ACMG/AMP criteria for classifying it as benign or pathogenic. In summary, the clinical significance of this variant is currently uncertain.

NM_004168.4(SDHA):c.1547A>G (p.Gln516Arg)

Gene: SDHA (succinate dehydrogenase complex flavoprotein subunit A; plus strand). Cytogenetic location: 5p15.33.
Variant type: single nucleotide variant.
Coding change: c.1547A>G on transcript NM_004168.4 (MANE Select); coding-DNA position 1547, A replaced by G.
Protein change: p.Gln516Arg; replaces glutamine 516 with arginine.
Molecular consequence: missense variant.
Genome position (GRCh38, 1-based): chr5:240,472, A>G. VCF-style: chr5-240472-A-G. GRCh37 (hg19) VCF-style: chr5-240587-A-G.
Other names: c.1403A>G, p.Gln468Arg (NM_001294332.2); c.1547A>G, p.Gln516Arg (NM_001330758.2); short protein forms Q468R, Q516R.
Identifiers: ClinVar variation 640265 (VCV000640265.12), dbSNP rs981171929, ClinGen allele CA112829790.